The following is an entry in ClinVar:

ClinVar aggregate classification (germline): Likely benign (0 of 4 stars; one submission).

Conditions:
SBF2-related disorder. Also called: SBF2-related condition.

Submission:

PreventionGenetics, part of Exact Sciences
Classification: Likely benign for SBF2-related condition. Last evaluated: 2023-02-09. Review status: no assertion criteria provided. Collection method: clinical testing. Allele origin: germline.
Comment: This variant is classified as likely benign based on ACMG/AMP sequence variant interpretation guidelines (Richards et al. 2015 PMID: 25741868, with internal and published modifications).

NM_030962.4(SBF2):c.960A>G (p.Gln320=)

Gene: SBF2 (SET binding factor 2; minus strand). Cytogenetic location: 11p15.4.
Variant type: single nucleotide variant.
Coding change: c.960A>G on transcript NM_030962.4 (MANE Select); coding-DNA position 960, A replaced by G.
Protein change: p.Gln320=; no amino-acid change (glutamine 320 retained).
Molecular consequence: synonymous variant.
Genome position (GRCh38, 1-based): chr11:9,998,281, T>C on the plus strand (A>G on the coding strand, the complement: SBF2 is on the minus strand). VCF-style: chr11-9998281-T-C. GRCh37 (hg19) VCF-style: chr11-10019828-T-C.
Other names: c.960A>G, p.Gln320= (NM_001386339.1, NM_001386342.1); c.996A>G, p.Gln332= (NM_001424318.1, NM_001425069.1, NM_001425070.1).
Identifiers: ClinVar variation 3054487 (VCV003054487.2), dbSNP rs2496157458, ClinGen allele CA473077533.
Genomic context (GRCh38, chr11:9,998,281, plus strand): 5'-AGATTTAAATAAAGAGAAAGTTACTATTACAAAAATATGTCATACCAAAGAAAGAGCTGA[T>C]TGAGTCTGATGTAGAAGTGGTTCTGGGAGGGAAGAGAGGTGAATACATTCGGGAATTTTA-3'
Protein context (NP_112224.1, residues 310-330): SLPEPLLHQT[Gln320=]SALSLILHPD